The following is an entry in ClinVar:

NM_000136.3(FANCC):c.1641_1658dup (p.Lys552_Glu553insAspArgGluLeuLeuLys)

Genes: AOPEP (aminopeptidase O (putative); plus strand), FANCC (FA complementation group C; minus strand). Cytogenetic location: 9q22.32.
Variant type: Duplication.
Coding change: c.1641_1658dup on transcript NM_000136.3 (MANE Select); coding-DNA positions 1641 to 1658, 18 bases duplicated (CCGAGAGCTCCTTAAAGA).
Protein change: p.Lys552_Glu553insAspArgGluLeuLeuLys.
Molecular consequence: inframe insertion.
Genome position (GRCh38, 1-based): chr9:95,101,726-95,101,743, TCTTTAAGGAGCTCTCGG duplicated on the plus strand (CCGAGAGCTCCTTAAAGA on the coding strand, the reverse complement: FANCC is on the minus strand). VCF-style (leftmost placement, unchanged base first): chr9-95101725-C-CTCTTTAAGGAGCTCTCGG. GRCh37 (hg19) VCF-style: chr9-97864007-C-CTCTTTAAGGAGCTCTCGG.
Other names: c.1641_1658dup, p.Lys552_Glu553insAspArgGluLeuLeuLys (NM_001243743.2).
Identifiers: ClinVar variation 650670 (VCV000650670.8), dbSNP rs1588007941, ClinGen allele CA915947014.

ClinVar aggregate classification (germline): Uncertain significance (1 of 4 stars; one submission).

Conditions:
Fanconi anemia (FA). Also called: Fanconi's anemia. Identifiers: Orphanet 84, MedGen C0015625, MeSH D005199, MONDO:0019391.

Allele frequency attached by ClinVar (database versions not stated): gnomAD exomes 0.00001.

Submission:

Labcorp Genetics (formerly Invitae), Labcorp
Classification: Uncertain significance for Fanconi anemia. Last evaluated: 2018-08-18. Review status: criteria provided, single submitter. Criteria: Invitae Variant Classification Sherloc (09022015). Collection method: clinical testing. Allele origin: germline.
Comment: In summary, the available evidence is currently insufficient to determine the role of this variant in disease. Therefore, it has been classified as a Variant of Uncertain Significance. Experimental studies and prediction algorithms are not available for this variant, and the functional significance of the duplicated amino acids is currently unknown. This variant has not been reported in the literature in individuals with FANCC-related disease. This variant is not present in population databases (ExAC no frequency). This variant, c.1641_1658dup, results in the insertion of 6 amino acids to the FANCC protein (p.Lys552_Glu553ins6), but otherwise preserves the integrity of the reading frame.